The following is an entry in ClinVar:

NM_006218.4(PIK3CA):c.917C>G (p.Ser306Cys)

Gene: PIK3CA (phosphatidylinositol-4,5-bisphosphate 3-kinase catalytic subunit alpha; plus strand). Cytogenetic location: 3q26.32.
Variant type: single nucleotide variant.
Coding change: c.917C>G on transcript NM_006218.4 (MANE Select); coding-DNA position 917, C replaced by G.
Protein change: p.Ser306Cys; replaces serine 306 with cysteine.
Molecular consequence: missense variant.
Genome position (GRCh38, 1-based): chr3:179,203,647, C>G. VCF-style: chr3-179203647-C-G. GRCh37 (hg19) VCF-style: chr3-178921435-C-G.
Other names: short protein forms S306C.
Identifiers: ClinVar variation 3932391 (VCV003932391.1).

ClinVar aggregate classification (germline): Uncertain significance (1 of 4 stars; one submission).

Conditions:
Inborn genetic diseases. Identifiers: MedGen C0950123, MeSH D030342.

Submission:

Ambry Genetics
Classification: Uncertain significance for Inborn genetic diseases. Last evaluated: 2025-03-30. Review status: criteria provided, single submitter. Criteria: Ambry Variant Classification Scheme 2023. Collection method: clinical testing. Allele origin: germline.
Comment: The p.S306C variant (also known as c.917C>G), located in coding exon 4 of the PIK3CA gene, results from a C to G substitution at nucleotide position 917. The serine at codon 306 is replaced by cysteine, an amino acid with dissimilar properties. This amino acid position is conserved. In addition, the in silico prediction for this alteration is inconclusive. Based on the available evidence, the clinical significance of this variant remains unclear.